The following is an entry in ClinVar:

ClinVar aggregate classification (germline): Likely benign. Review status: criteria provided, multiple submitters, no conflicts (2 of 4 stars). 2 submissions from 2 submitters: Likely benign (2). Last evaluated 2026-02-10.

Conditions:
ATP8B1-related disorder. Also called: ATP8B1-related condition; ATP8B1-related disorders.

Allele frequency attached by ClinVar (database versions not stated): TOPMed below 0.00001; gnomAD 0.00001.

Submissions (2):

PreventionGenetics, part of Exact Sciences
Classification: Likely benign for ATP8B1-related condition. Last evaluated: 2026-02-10. Review status: criteria provided, single submitter. Criteria: ACMG Guidelines, 2015. Collection method: clinical testing. Allele origin: germline.
Comment: This variant is classified as likely benign based on ACMG/AMP sequence variant interpretation guidelines (Richards et al. 2015 PMID: 25741868, with internal and published modifications).

Labcorp Genetics (formerly Invitae), Labcorp
Classification: Likely benign. Last evaluated: 2023-10-14. Review status: criteria provided, single submitter. Criteria: Invitae Variant Classification Sherloc (09022015). Collection method: clinical testing. Allele origin: germline.

NM_001374385.1(ATP8B1):c.111G>C (p.Gly37=)

Gene: ATP8B1 (ATPase phospholipid transporting 8B1; minus strand). Cytogenetic location: 18q21.31.
Variant type: single nucleotide variant.
Coding change: c.111G>C on transcript NM_001374385.1 (MANE Select); coding-DNA position 111, G replaced by C.
Protein change: p.Gly37=; no amino-acid change (glycine 37 retained).
Molecular consequence: synonymous variant. On other transcripts: missense variant (1).
Genome position (GRCh38, 1-based): chr18:57,731,697, C>G on the plus strand (G>C on the coding strand, the complement: ATP8B1 is on the minus strand). VCF-style: chr18-57731697-C-G. GRCh37 (hg19) VCF-style: chr18-55398929-C-G.
Other names: c.111G>C (NM_005603.4); c.59G>C, p.Gly20Ala (NM_001374386.1); c.111G>C, p.Gly37= (NM_005603.6); short protein forms G20A.
Identifiers: ClinVar variation 2970748 (VCV002970748.4), dbSNP rs1188716361, ClinGen allele CA504014226.
Genomic context (GRCh38, chr18:57,731,697, plus strand): 5'-TGGCTCCCGGTTCTCCTCTGCTTCCCTGTTGACTCGGTTTTGTTCTGGTTCAACAGCAGA[C>G]CCCTGGTCATCAAGTTCATCTTCTGTTTCATCATCACTGTAGGGAACCACTTCGTCATTA-3'
Protein context (NP_001361314.1, residues 27-47): DETEDELDDQ[Gly37=]SAVEPEQNRV